The following is an entry in ClinVar:

NM_000535.7(PMS2):c.1276C>T (p.Leu426Phe)

Gene: PMS2 (PMS1 homolog 2, mismatch repair system component; minus strand). Cytogenetic location: 7p22.1.
Variant type: single nucleotide variant.
Coding change: c.1276C>T on transcript NM_000535.7 (MANE Select); coding-DNA position 1276, C replaced by T.
Protein change: p.Leu426Phe; replaces leucine 426 with phenylalanine.
Molecular consequence: missense variant. On other transcripts: non-coding transcript variant (1).
Genome position (GRCh38, 1-based): chr7:5,987,489, G>A on the plus strand (C>T on the coding strand, the complement: PMS2 is on the minus strand). VCF-style: chr7-5987489-G-A. GRCh37 (hg19) VCF-style: chr7-6027120-G-A.
Other names: c.871C>T, p.Leu291Phe (NM_001322003.2, NM_001322004.2, NM_001322005.2 and 1 more transcripts); c.1120C>T, p.Leu374Phe (NM_001322006.2); c.958C>T, p.Leu320Phe (NM_001322007.2, NM_001322008.2); c.715C>T, p.Leu239Phe (NM_001322010.2); c.343C>T, p.Leu115Phe (NM_001322011.2, NM_001322012.2); c.703C>T, p.Leu235Phe (NM_001322013.2); c.1276C>T, p.Leu426Phe (NM_001322014.2); c.967C>T, p.Leu323Phe (NM_001322015.2); and 1 more; short protein forms L235F, L239F, L323F, L426F, L291F, L115F, L320F, L374F.
Identifiers: ClinVar variation 1472026 (VCV001472026.9), dbSNP rs2128734575, ClinGen allele CA366742432.

ClinVar aggregate classification (germline): Uncertain significance. Review status: criteria provided, multiple submitters, no conflicts (2 of 4 stars). 2 submissions from 2 submitters: Uncertain significance (2). Last evaluated 2022-12-09.

Conditions:
Hereditary nonpolyposis colorectal neoplasms. Identifiers: MedGen C0009405, MeSH D003123.

Submissions (2):

Quest Diagnostics Nichols Institute San Juan Capistrano
Classification: Uncertain significance. Last evaluated: 2022-12-09. Review status: criteria provided, single submitter. Criteria: Quest Diagnostics criteria. Collection method: clinical testing. Allele origin: unknown.
Comment: to the best of our knowledge, the variant has not been reported in the published literature. It also has not been reported in large, multi-ethnic general populations. Analysis of this variant using bioinformatics tools for the prediction of the effect of amino acid changes on protein structure and function yielded conflicting predictions that this variant is benign or damaging. Based on the available information, we are unable to determine the clinical significance of this variant.

Labcorp Genetics (formerly Invitae), Labcorp
Classification: Uncertain significance for Hereditary nonpolyposis colorectal neoplasms. Last evaluated: 2021-03-13. Review status: criteria provided, single submitter. Criteria: Invitae Variant Classification Sherloc (09022015). Collection method: clinical testing. Allele origin: germline.
Comment: In summary, the available evidence is currently insufficient to determine the role of this variant in disease. Therefore, it has been classified as a Variant of Uncertain Significance. Advanced modeling of protein sequence and biophysical properties (such as structural, functional, and spatial information, amino acid conservation, physicochemical variation, residue mobility, and thermodynamic stability) performed at Invitae indicates that this missense variant is not expected to disrupt PMS2 protein function. This variant has not been reported in the literature in individuals with PMS2-related conditions. This variant is not present in population databases (ExAC no frequency). This sequence change replaces leucine with phenylalanine at codon 426 of the PMS2 protein (p.Leu426Phe). The leucine residue is weakly conserved and there is a small physicochemical difference between leucine and phenylalanine.